The following is an entry in ClinVar:

ClinVar aggregate classification (germline): Conflicting classifications of pathogenicity. Review status: criteria provided, conflicting classifications (1 of 4 stars). 2 submissions from 2 submitters: Uncertain significance (1); Likely benign (1). Last evaluated 2024-08-02.

Allele frequency attached by ClinVar (database versions not stated): TOPMed below 0.00001; ExAC 0.00001; gnomAD 0.00001; gnomAD exomes 0.00001; 1000 Genomes Project 30x 0.00021; 1000 Genomes Project 0.00026.
gnomAD v4.1: 6 of 1,208,523 alleles (0.0005%); highest among the groups gnomAD compares: Middle Eastern, 0.13%; no homozygotes.

Submissions (2):

GeneDx
Classification: Uncertain significance. Last evaluated: 2024-08-02. Review status: criteria provided, single submitter. Criteria: GeneDx Variant Classification Process June 2021. Collection method: clinical testing. Allele origin: germline. Affected: yes.
Comment: In silico analysis supports a deleterious effect on splicing; Has not been previously published as pathogenic or benign to our knowledge

Labcorp Genetics (formerly Invitae), Labcorp
Classification: Likely benign. Last evaluated: 2024-01-20. Review status: criteria provided, single submitter. Criteria: Invitae Variant Classification Sherloc (09022015). Collection method: clinical testing. Allele origin: germline.

NM_033380.3(COL4A5):c.3609A>G (p.Gln1203=)

Gene: COL4A5 (collagen type IV alpha 5 chain; plus strand). Cytogenetic location: Xq22.3.
Variant type: single nucleotide variant.
Coding change: c.3609A>G on transcript NM_033380.3 (MANE Select); coding-DNA position 3609, A replaced by G.
Protein change: p.Gln1203=; no amino-acid change (glutamine 1203 retained).
Molecular consequence: synonymous variant.
Genome position (GRCh38, 1-based): chrX:108,668,323, A>G. VCF-style: chrX-108668323-A-G. GRCh37 (hg19) VCF-style: chrX-107911553-A-G.
Other names: c.3609A>G, p.Gln1203= (NM_000495.5); c.3609A>G (NM_033380.1).
Identifiers: ClinVar variation 797606 (VCV000797606.12), dbSNP rs767920190, ClinGen allele CA10489155.